The following is an entry in ClinVar:

ClinVar aggregate classification (germline): Uncertain significance (1 of 4 stars; one submission).

Conditions:
Hereditary cancer-predisposing syndrome. Also called: Neoplastic Syndromes, Hereditary; Tumor predisposition; Hereditary neoplastic syndrome; Hereditary Cancer Syndrome. Identifiers: Orphanet 140162, MedGen C0027672, MeSH D009386, MONDO:0015356.

Submission:

Ambry Genetics
Classification: Uncertain significance for Hereditary cancer-predisposing syndrome. Last evaluated: 2024-04-30. Review status: criteria provided, single submitter. Criteria: Ambry Variant Classification Scheme 2023. Collection method: clinical testing. Allele origin: germline.
Comment: The p.D358V variant (also known as c.1073A>T), located in coding exon 8 of the STK11 gene, results from an A to T substitution at nucleotide position 1073. The aspartic acid at codon 358 is replaced by valine, an amino acid with highly dissimilar properties. This amino acid position is highly conserved in available vertebrate species. In addition, the in silico prediction for this alteration is inconclusive. Based on the available evidence, the clinical significance of this variant remains unclear.

NM_000455.5(STK11):c.1073A>T (p.Asp358Val)

Genes: STK11 (serine/threonine kinase 11; plus strand), LOC130062899 (ATAC-STARR-seq lymphoblastoid active region 13597; plus strand). Cytogenetic location: 19p13.3.
Variant type: single nucleotide variant.
Coding change: c.1073A>T on transcript NM_000455.5 (MANE Select); coding-DNA position 1073, A replaced by T.
Protein change: p.Asp358Val; replaces aspartic acid 358 with valine.
Molecular consequence: missense variant. On other transcripts: non-coding transcript variant (1).
Genome position (GRCh38, 1-based): chr19:1,223,137, A>T. VCF-style: chr19-1223137-A-T. GRCh37 (hg19) VCF-style: chr19-1223136-A-T.
Other names: c.1073A>T, p.Asp358Val (NM_001407255.1); short protein forms D358V.
Identifiers: ClinVar variation 3323266 (VCV003323266.1).
Genomic context (GRCh38, chr19:1,223,137, plus strand): 5'-TGCCGTACTTGGAGGACCTGCACGGCGCGGACGAGGACGAGGACCTCTTCGACATCGAGG[A>T]TGACATCATCTACACTCAGGACTTCACGGTGCCCGGTGAGTCTGGCGGGGGCCCCTGCCC-3'
Protein context (NP_000446.1, residues 348-368): DEDEDLFDIE[Asp358Val]DIIYTQDFTV